The following is an entry in ClinVar:

ClinVar aggregate classification (germline): Pathogenic/Likely pathogenic. Review status: criteria provided, multiple submitters, no conflicts (2 of 4 stars). 2 submissions from 2 submitters: Pathogenic (1); Likely pathogenic (1). Last evaluated 2024-03-14.

Conditions:
Microcephaly, normal intelligence and immunodeficiency (NBS). Also called: Nijmegen breakage syndrome; Microcephaly with normal intelligence immunodeficiency and lymphoreticular malignancies; Nonsyndromal microcephaly autosomal recessive with normal intelligence; Seemanova syndrome 2; Immunodeficiency, microcephaly with normal intelligence; Ataxia telangiectasia variant V1. Identifiers: Orphanet 647, MedGen C0398791, MONDO:0009623, OMIM 251260.
Acute lymphoid leukemia (ALL). Also called: Lymphoblastic leukemia; Acute lymphoblastic leukemia; Leukemia, acute lymphoblastic, somatic; Acute lymphocytic leukemia. Identifiers: Orphanet 513, MedGen C0023449, MONDO:0004967, OMIM 613065, HP:0006721.
Aplastic anemia. Identifiers: Orphanet 182040, Orphanet 88, MedGen C0002874, MONDO:0015909, OMIM 609135, HP:0001915.

Submissions (2):

Fulgent Genetics
Classification: Likely pathogenic for Microcephaly, normal intelligence and immunodeficiency; Aplastic anemia; Acute lymphoid leukemia. Last evaluated: 2024-03-14. Review status: criteria provided, single submitter. Criteria: ACMG Guidelines, 2015. Collection method: clinical testing. Allele origin: germline.

Labcorp Genetics (formerly Invitae), Labcorp
Classification: Pathogenic for Microcephaly, normal intelligence and immunodeficiency. Last evaluated: 2022-04-07. Review status: criteria provided, single submitter. Criteria: Invitae Variant Classification Sherloc (09022015). Collection method: clinical testing. Allele origin: germline.
Comment: For these reasons, this variant has been classified as Pathogenic. This variant has not been reported in the literature in individuals affected with NBN-related conditions. This variant is not present in population databases (gnomAD no frequency). This sequence change creates a premature translational stop signal (p.Met83Asnfs*23) in the NBN gene. It is expected to result in an absent or disrupted protein product. Loss-of-function variants in NBN are known to be pathogenic (PMID: 9590180, 16415040).

Literature cited by the submitters: PubMed 9590180 (cited by Labcorp Genetics (formerly Invitae), Labcorp); PubMed 16415040 (cited by Labcorp Genetics (formerly Invitae), Labcorp).

NM_002485.5(NBN):c.247dup (p.Met83fs)

Gene: NBN (nibrin; minus strand). Cytogenetic location: 8q21.3.
Variant type: Duplication.
Coding change: c.247dup on transcript NM_002485.5 (MANE Select); coding-DNA position 247, one base duplicated (A; older notation c.247dupA).
Protein change: p.Met83fs; shifts the reading frame from methionine 83.
Molecular consequence: frameshift variant. On other transcripts: initiator codon variant (1).
Genome position (GRCh38, 1-based): chr8:89,981,448, T duplicated on the plus strand (A on the coding strand, the reverse complement: NBN is on the minus strand); the first of 6 consecutive T bases (chr8:89,981,448-89,981,453); duplicating any one gives the same sequence. VCF-style (leftmost placement, unchanged base first): chr8-89981447-A-AT. GRCh37 (hg19) VCF-style: chr8-90993675-A-AT.
Other names: c.1dup, p.Met1fs (NM_001024688.3); short protein forms M1fs, M83fs.
Identifiers: ClinVar variation 2122405 (VCV002122405.6), dbSNP rs2129915273, ClinGen allele CA2580079216.